The following is an entry in ClinVar:

NM_018082.6(POLR3B):c.72+5G>A

Gene: POLR3B (RNA polymerase III subunit B; plus strand). Cytogenetic location: 12q23.3.
Variant type: single nucleotide variant.
Coding change: c.72+5G>A on transcript NM_018082.6 (MANE Select); 5 bases into the intron after coding-DNA position 72, G replaced by A.
Molecular consequence: intron variant.
Genome position (GRCh38, 1-based): chr12:106,357,956, G>A. VCF-style: chr12-106357956-G-A. GRCh37 (hg19) VCF-style: chr12-106751734-G-A.
Identifiers: ClinVar variation 1503212 (VCV001503212.6), dbSNP rs2036409865, ClinGen allele CA2061016816.

ClinVar aggregate classification (germline): Uncertain significance (1 of 4 stars; one submission).

Allele frequency attached by ClinVar (database versions not stated): gnomAD exomes below 0.00001.
gnomAD v4.1: 1 of 1,612,474 alleles (0.000062%); highest among the groups gnomAD compares: Non-Finnish European, 0.000085%; no homozygotes.

Submission:

Labcorp Genetics (formerly Invitae), Labcorp
Classification: Uncertain significance. Last evaluated: 2023-10-13. Review status: criteria provided, single submitter. Criteria: Invitae Variant Classification Sherloc (09022015). Collection method: clinical testing. Allele origin: germline.
Comment: This sequence change falls in intron 1 of the POLR3B gene. It does not directly change the encoded amino acid sequence of the POLR3B protein. It affects a nucleotide within the consensus splice site. This variant is not present in population databases (gnomAD no frequency). This variant has not been reported in the literature in individuals affected with POLR3B-related conditions. ClinVar contains an entry for this variant (Variation ID: 1503212). Variants that disrupt the consensus splice site are a relatively common cause of aberrant splicing (PMID: 17576681, 9536098). Algorithms developed to predict the effect of sequence changes on RNA splicing suggest that this variant may create or strengthen a splice site. In summary, the available evidence is currently insufficient to determine the role of this variant in disease. Therefore, it has been classified as a Variant of Uncertain Significance.

Literature cited by the submitters: PubMed 17576681; PubMed 9536098.